The following is an entry in ClinVar:

NM_000256.3(MYBPC3):c.2032G>A (p.Ala678Thr)

Gene: MYBPC3 (myosin binding protein C3; minus strand). Cytogenetic location: 11p11.2.
Variant type: single nucleotide variant.
Coding change: c.2032G>A on transcript NM_000256.3 (MANE Select); coding-DNA position 2032, G replaced by A.
Protein change: p.Ala678Thr; replaces alanine 678 with threonine.
Molecular consequence: missense variant.
Genome position (GRCh38, 1-based): chr11:47,339,686, C>T on the plus strand (G>A on the coding strand, the complement: MYBPC3 is on the minus strand). VCF-style: chr11-47339686-C-T. GRCh37 (hg19) VCF-style: chr11-47361237-C-T.
Other names: short protein forms A678T.
Identifiers: ClinVar variation 3013930 (VCV003013930.3), dbSNP rs2495756046, ClinGen allele CA380321490.

ClinVar aggregate classification (germline): Uncertain significance (1 of 4 stars; one submission).

Conditions:
Hypertrophic cardiomyopathy. Also called: HYPERTROPHIC MYOCARDIOPATHY. Identifiers: Orphanet 217569, MedGen C0007194, MeSH D002312, MONDO:0005045, HP:0001639.

Allele frequency attached by ClinVar (database versions not stated): gnomAD exomes below 0.00001.
gnomAD v4.1: 1 of 1,612,140 alleles (0.000062%); highest among the groups gnomAD compares: South Asian, 0.0011%; no homozygotes.

Submission:

Labcorp Genetics (formerly Invitae), Labcorp
Classification: Uncertain significance for Hypertrophic cardiomyopathy. Last evaluated: 2023-08-25. Review status: criteria provided, single submitter. Criteria: Invitae Variant Classification Sherloc (09022015). Collection method: clinical testing. Allele origin: germline.
Comment: This variant is not present in population databases (gnomAD no frequency). In summary, the available evidence is currently insufficient to determine the role of this variant in disease. Therefore, it has been classified as a Variant of Uncertain Significance. An algorithm developed to predict the effect of missense changes on protein structure and function (PolyPhen-2) suggests that this variant is likely to be tolerated. This variant has not been reported in the literature in individuals affected with MYBPC3-related conditions. This sequence change replaces alanine, which is neutral and non-polar, with threonine, which is neutral and polar, at codon 678 of the MYBPC3 protein (p.Ala678Thr).